The following is an entry in ClinVar:

ClinVar aggregate classification (germline): Benign. Review status: criteria provided, multiple submitters, no conflicts (2 of 4 stars). 2 submissions from 2 submitters: Benign (2). Last evaluated 2018-01-13.

Conditions:
Medulloblastoma (MDB). Also called: Medulloblastoma, somatic; MEDULLOBLASTOMA PREDISPOSITION SYNDROME. Identifiers: Orphanet 616, MedGen C0025149, MeSH D008527, MONDO:0007959, OMIM 155255, HP:0002885.

Allele frequency attached by ClinVar (database versions not stated): gnomAD 0.00835 and 0.01055; gnomAD exomes 0.01067; TOPMed 0.01348; 1000 Genomes Project 30x 0.04154; 1000 Genomes Project 0.04393.
gnomAD v4.1: 9,743 of 918,154 alleles (1.1%); highest among the groups gnomAD compares: East Asian, 16%; 612 homozygotes.

Submissions (2):

Illumina Laboratory Services, Illumina
Classification: Benign for Medulloblastoma. Last evaluated: 2018-01-13. Review status: criteria provided, single submitter. Criteria: ICSL Variant Classification Criteria 13 December 2019. Collection method: clinical testing. Allele origin: germline.
Comment: This variant was observed in the ICSL laboratory as part of a predisposition screen in an ostensibly healthy population. It had not been previously curated by ICSL or reported in the Human Gene Mutation Database (HGMD: prior to June 1st, 2018), and was therefore a candidate for classification through an automated scoring system. Utilizing variant allele frequency, disease prevalence and penetrance estimates, and inheritance mode, an automated score was calculated to assess if this variant is too frequent to cause the disease. Based on the score and internal cut-off values, a variant classified as benign is not then subjected to further curation. The score for this variant resulted in a classification of benign for this disease.

Breakthrough Genomics
Classification: Benign. Review status: criteria provided, single submitter. Criteria: ACMG Guidelines, 2015. Collection method: not provided. Allele origin: germline. Inheritance: Autosomal recessive inheritance. Affected: yes.

NM_016169.4(SUFU):c.*118C>T

Gene: SUFU (SUFU negative regulator of hedgehog signaling; plus strand). Cytogenetic location: 10q24.32.
Variant type: single nucleotide variant.
Coding change: c.*118C>T on transcript NM_016169.4 (MANE Select); 118 bases downstream of the stop codon, C replaced by T.
Molecular consequence: 3 prime UTR variant.
Genome position (GRCh38, 1-based): chr10:102,630,273, C>T. VCF-style: chr10-102630273-C-T. GRCh37 (hg19) VCF-style: chr10-104390030-C-T.
Identifiers: ClinVar variation 298576 (VCV000298576.6), dbSNP rs2298277, ClinGen allele CA10630813.